The following is an entry in ClinVar:

ClinVar aggregate classification (germline): Pathogenic. Review status: reviewed by expert panel (3 of 4 stars). 4 submissions from 4 submitters: Pathogenic (1). 3 of the submissions do not count toward it. Last evaluated 2016-10-18.

Conditions:
Hereditary cancer-predisposing syndrome. Also called: Neoplastic Syndromes, Hereditary; Tumor predisposition; Hereditary neoplastic syndrome; Hereditary Cancer Syndrome. Identifiers: Orphanet 140162, MedGen C0027672, MeSH D009386, MONDO:0015356.
Hereditary breast ovarian cancer syndrome. Also called: Hereditary breast and ovarian cancer syndrome; Hereditary breast and ovarian cancer; Hereditary breast and ovarian cancer syndrome (HBOC); Breast and ovarian cancer; Hereditary breast and/or ovarian cancer syndrome; BRCA1- and BRCA2-Associated Hereditary Breast and Ovarian Cancer. Identifiers: Orphanet 145, MedGen C0677776, MeSH D061325, MONDO:0003582. Disease mechanism: loss of function.
Breast-ovarian cancer, familial, susceptibility to, 2 (BROVCA2). Also called: BRCA2 Hereditary Breast and Ovarian Cancer. Identifiers: Orphanet 145, MedGen C2675520, MONDO:0012933, OMIM 612555. Disease mechanism: loss of function.

Submissions (4):

Evidence-based Network for the Interpretation of Germline Mutant Alleles (ENIGMA)
Classification: Pathogenic for Breast-ovarian cancer, familial, susceptibility to, 2. Last evaluated: 2016-10-18. Review status: reviewed by expert panel. Criteria: ENIGMA BRCA1/2 Classification Criteria (2015). Collection method: curation. Allele origin: germline.
Comment: Variant allele predicted to encode a truncated non-functional protein.

Labcorp Genetics (formerly Invitae), Labcorp
Classification: Pathogenic for Hereditary breast ovarian cancer syndrome. Last evaluated: 2021-09-21. Review status: criteria provided, single submitter. Criteria: Invitae Variant Classification Sherloc (09022015). Collection method: clinical testing. Allele origin: germline. Not counted in ClinVar's aggregate classification.
Comment: This variant is not present in population databases (ExAC no frequency). This premature translational stop signal has been observed in individual(s) with breast cancer (PMID: 22798144). This sequence change creates a premature translational stop signal (p.Lys2459*) in the BRCA2 gene. It is expected to result in an absent or disrupted protein product. Loss-of-function variants in BRCA2 are known to be pathogenic (PMID: 20104584). For these reasons, this variant has been classified as Pathogenic. ClinVar contains an entry for this variant (Variation ID: 52314).

Ambry Genetics
Classification: Pathogenic for Hereditary cancer-predisposing syndrome. Last evaluated: 2017-09-05. Review status: criteria provided, single submitter. Criteria: Ambry Variant Classification Scheme 2023. Collection method: clinical testing. Allele origin: germline. Not counted in ClinVar's aggregate classification.
Comment: The p.K2459* pathogenic mutation (also known as c.7375A>T), located in coding exon 13 of the BRCA2 gene, results from an A to T substitution at nucleotide position 7375. This changes the amino acid from a lysine to a stop codon within coding exon 13. This mutation has been reported in two cohorts of Korean individuals with breast cancer or family histories of BRCA1/2 mutations (Kim H et al. Breast Cancer Res. Treat. 2012 Aug;134:1315-26; Kang E et al. Breast Cancer Res. Treat. 2015 May;151:157-68). In addition to the clinical data presented in the literature, this alteration is expected to result in loss of function by premature protein truncation or nonsense-mediated mRNA decay. As such, this alteration is interpreted as a disease-causing mutation.

Consortium of Investigators of Modifiers of BRCA1/2 (CIMBA), c/o University of Cambridge
Classification: Pathogenic for Breast-ovarian cancer, familial, susceptibility to, 2. Last evaluated: 2015-10-02. Review status: criteria provided, single submitter. Criteria: CIMBA Mutation Classification guidelines May 2016. Collection method: clinical testing. Allele origin: germline. Not counted in ClinVar's aggregate classification.

Literature cited by the submitters: PubMed 22798144 (cited by Labcorp Genetics (formerly Invitae), Labcorp and Ambry Genetics); PubMed 20104584 (cited by Labcorp Genetics (formerly Invitae), Labcorp); PubMed 25863477 (cited by Ambry Genetics).

NM_000059.4(BRCA2):c.7375A>T (p.Lys2459Ter)

Gene: BRCA2 (BRCA2 DNA repair associated; plus strand). Cytogenetic location: 13q13.1.
Variant type: single nucleotide variant.
Coding change: c.7375A>T on transcript NM_000059.4 (MANE Select); coding-DNA position 7375, A replaced by T.
Protein change: p.Lys2459Ter; replaces lysine 2459 with a stop codon.
Molecular consequence: nonsense.
Genome position (GRCh38, 1-based): chr13:32,355,228, A>T. VCF-style: chr13-32355228-A-T. GRCh37 (hg19) VCF-style: chr13-32929365-A-T.
Other names: 7603A>T; short protein forms K2459*.
Identifiers: ClinVar variation 52314 (VCV000052314.15), dbSNP rs397507913, ClinGen allele CA025046.